The following is an entry in ClinVar:

ClinVar aggregate classification (germline): Conflicting classifications of pathogenicity. Review status: criteria provided, conflicting classifications (1 of 4 stars). 2 submissions from 2 submitters: Uncertain significance (1); Likely benign (1). Last evaluated 2025-05-22.

Conditions:
Autism, susceptibility to, 15. Also called: Autism susceptibility 15. Identifiers: MedGen C2677504, MONDO:0012801, OMIM 612100.
Cortical dysplasia-focal epilepsy syndrome (PTHSL1). Also called: Pitt-Hopkins-like syndrome 1. Identifiers: Orphanet 163681, Orphanet 221150, MedGen C2750246, MONDO:0012400, OMIM 610042.

Allele frequency attached by ClinVar (database versions not stated): ExAC 0.00002; gnomAD 0.00002; gnomAD exomes 0.00002; TOPMed 0.00004.
gnomAD v4.1: 14 of 1,614,004 alleles (0.00087%); highest among the groups gnomAD compares: Admixed American, 0.01%; no homozygotes.

Submissions (2):

Labcorp Genetics (formerly Invitae), Labcorp
Classification: Likely benign for Cortical dysplasia-focal epilepsy syndrome. Last evaluated: 2025-05-22. Review status: criteria provided, single submitter. Criteria: Invitae Variant Classification Sherloc (09022015). Collection method: clinical testing. Allele origin: germline.

Center for Genomics, Ann and Robert H. Lurie Children's Hospital of Chicago
Classification: Uncertain significance for Cortical dysplasia-focal epilepsy syndrome; Autism, susceptibility to, 15. Review status: criteria provided, single submitter. Criteria: ACMG Guidelines, 2015. Collection method: clinical testing. Allele origin: germline.
Comment: CNTNAP2 NM_014141 exon 3 p.Asp108Asp (c.324T>C): This variant has not been reported in the literature but is present in 6/246236 individuals of various ethnicities in the Genome Aggregation Database. Evolutionary conservation and computational predictive tools for this variant are limited or unavailable. Of note, this variant is a silent variant and does not change the amino acid, reducing the probability that this variant is disease causing. In summary, data on this variant is insufficient for disease classification. Therefore, the clinical significance of this variant is uncertain

NM_014141.6(CNTNAP2):c.324T>C (p.Asp108=)

Gene: CNTNAP2 (contactin associated protein 2; plus strand). Cytogenetic location: 7q35.
Variant type: single nucleotide variant.
Coding change: c.324T>C on transcript NM_014141.6 (MANE Select); coding-DNA position 324, T replaced by C.
Protein change: p.Asp108=; no amino-acid change (aspartic acid 108 retained).
Molecular consequence: synonymous variant.
Genome position (GRCh38, 1-based): chr7:146,839,826, T>C. VCF-style: chr7-146839826-T-C. GRCh37 (hg19) VCF-style: chr7-146536918-T-C.
Identifiers: ClinVar variation 626089 (VCV000626089.13), dbSNP rs756947754, ClinGen allele CA4545744.